The following is an entry in ClinVar:

ClinVar aggregate classification (germline): Uncertain significance. Review status: criteria provided, multiple submitters, no conflicts (2 of 4 stars). 2 submissions from 2 submitters: Uncertain significance (2). Last evaluated 2021-11-04.

Conditions:
Carney-Stratakis syndrome. Also called: PARAGANGLIOMA AND GASTROINTESTINAL STROMAL TUMOR. Identifiers: Orphanet 97286, MedGen C1847319, MONDO:0011740, OMIM 606864.
Cowden syndrome 3 (CWS3). Identifiers: Orphanet 201, MedGen CN166604, MONDO:0014045.
Pheochromocytoma. Also called: MAX-Related Hereditary Paraganglioma-Pheochromocytoma Syndrome. Identifiers: Orphanet 29072, MedGen C0031511, MONDO:0008233, OMIM 171300, HP:0002666.
Paragangliomas with sensorineural hearing loss. Identifiers: MedGen C1868633.
Hereditary cancer-predisposing syndrome. Also called: Tumor predisposition; Hereditary neoplastic syndrome; Hereditary Cancer Syndrome; Neoplastic Syndromes, Hereditary. Identifiers: Orphanet 140162, MedGen C0027672, MeSH D009386, MONDO:0015356.

Allele frequency attached by ClinVar (database versions not stated): gnomAD exomes below 0.00001.
gnomAD v4.1: 2 of 1,611,984 alleles (0.00012%); highest among the groups gnomAD compares: Non-Finnish European, 0.00017%; no homozygotes.

Submissions (2):

Ambry Genetics
Classification: Uncertain significance for Hereditary cancer-predisposing syndrome. Last evaluated: 2021-11-04. Review status: criteria provided, single submitter. Criteria: Ambry Variant Classification Scheme 2023. Collection method: clinical testing. Allele origin: germline.
Comment: The p.S132A variant (also known as c.394T>G), located in coding exon 4 of the SDHD gene, results from a T to G substitution at nucleotide position 394. The serine at codon 132 is replaced by alanine, an amino acid with similar properties. This amino acid position is highly conserved in available vertebrate species. In addition, this alteration is predicted to be deleterious by in silico analysis. Since supporting evidence is limited at this time, the clinical significance of this alteration remains unclear.

Labcorp Genetics (formerly Invitae), Labcorp
Classification: Uncertain significance for Carney-Stratakis syndrome; Paragangliomas with sensorineural hearing loss; Pheochromocytoma; Cowden syndrome 3. Last evaluated: 2021-10-12. Review status: criteria provided, single submitter. Criteria: Invitae Variant Classification Sherloc (09022015). Collection method: clinical testing. Allele origin: germline.
Comment: This sequence change replaces serine with alanine at codon 132 of the SDHD protein (p.Ser132Ala). The serine residue is highly conserved and there is a moderate physicochemical difference between serine and alanine. This variant is not present in population databases (ExAC no frequency). This variant has not been reported in the literature in individuals affected with SDHD-related conditions. Algorithms developed to predict the effect of missense changes on protein structure and function are either unavailable or do not agree on the potential impact of this missense change (SIFT: "Deleterious"; PolyPhen-2: "Benign"; Align-GVGD: "Class C0"). In summary, the available evidence is currently insufficient to determine the role of this variant in disease. Therefore, it has been classified as a Variant of Uncertain Significance.

NM_003002.4(SDHD):c.394T>G (p.Ser132Ala)

Gene: SDHD (succinate dehydrogenase complex subunit D; plus strand). Cytogenetic location: 11q23.1.
Variant type: single nucleotide variant.
Coding change: c.394T>G on transcript NM_003002.4 (MANE Select); coding-DNA position 394, T replaced by G.
Protein change: p.Ser132Ala; replaces serine 132 with alanine.
Molecular consequence: missense variant. On other transcripts: 3 prime UTR variant (1), non-coding transcript variant (1).
Genome position (GRCh38, 1-based): chr11:112,094,884, T>G. VCF-style: chr11-112094884-T-G. GRCh37 (hg19) VCF-style: chr11-111965608-T-G.
Other names: c.249T>G, p.Phe83Leu (NM_001276503.2); c.277T>G, p.Ser93Ala (NM_001276504.2); c.*92T>G (NM_001276506.2); short protein forms F83L, S132A, S93A.
Identifiers: ClinVar variation 1462045 (VCV001462045.8), dbSNP rs2135277611, ClinGen allele CA382619186.